The following is an entry in ClinVar:

ClinVar aggregate classification (germline): Uncertain significance (1 of 4 stars; one submission).

Conditions:
Hereditary cancer-predisposing syndrome. Also called: Hereditary neoplastic syndrome; Neoplastic Syndromes, Hereditary; Tumor predisposition; Hereditary Cancer Syndrome. Identifiers: Orphanet 140162, MedGen C0027672, MeSH D009386, MONDO:0015356.

Submission:

Ambry Genetics
Classification: Uncertain significance for Hereditary cancer-predisposing syndrome. Last evaluated: 2025-08-27. Review status: criteria provided, single submitter. Criteria: Ambry Variant Classification Scheme 2023. Collection method: clinical testing. Allele origin: germline.
Comment: The p.Q314K variant (also known as c.940C>A), located in coding exon 11 of the MUTYH gene, results from a C to A substitution at nucleotide position 940. The glutamine at codon 314 is replaced by lysine, an amino acid with similar properties. This amino acid position is conserved. In addition, this alteration is predicted to be tolerated by in silico analysis. Based on the available evidence, the clinical significance of this variant remains unclear.

NM_001048174.2(MUTYH):c.856C>A (p.Gln286Lys)

Gene: MUTYH (mutY DNA glycosylase; minus strand). Cytogenetic location: 1p34.1.
Variant type: single nucleotide variant.
Coding change: c.856C>A on transcript NM_001048174.2 (MANE Select); coding-DNA position 856, C replaced by A.
Protein change: p.Gln286Lys; replaces glutamine 286 with lysine.
Molecular consequence: missense variant. On other transcripts: non-coding transcript variant (7).
Genome position (GRCh38, 1-based): chr1:45,332,080, G>T on the plus strand (C>A on the coding strand, the complement: MUTYH is on the minus strand). VCF-style: chr1-45332080-G-T. GRCh37 (hg19) VCF-style: chr1-45797752-G-T.
Other names: c.580C>A, p.Gln194Lys (NM_001293192.2, NM_001293196.2, NM_001407091.1); c.856C>A, p.Gln286Lys (NM_001293195.2, NM_001407070.1, NM_001407072.1 and 6 more transcripts); c.511C>A, p.Gln171Lys (NM_001350650.2, NM_001350651.2, NM_001407082.1); c.889C>A, p.Gln297Lys (NM_001407069.1, NM_001293191.2, NM_001407077.1); c.859C>A, p.Gln287Lys (NM_001407071.1, NM_001407086.1, NM_001048172.2 and 1 more transcripts); c.877C>A, p.Gln293Lys (NM_001407087.1); c.931C>A, p.Gln311Lys (NM_012222.3); c.940C>A, p.Gln314Lys (NM_001128425.2); and 5 more; short protein forms Q297K, Q273K, Q286K, Q287K, Q311K, Q194K, Q272K, Q300K.
Identifiers: ClinVar variation 4113922 (VCV004113922.1).